The following is an entry in ClinVar:

NM_002439.5(MSH3):c.1111A>G (p.Ile371Val)

Gene: MSH3 (mutS homolog 3; plus strand). Cytogenetic location: 5q14.1.
Variant type: single nucleotide variant.
Coding change: c.1111A>G on transcript NM_002439.5 (MANE Select); coding-DNA position 1111, A replaced by G.
Protein change: p.Ile371Val; replaces isoleucine 371 with valine.
Molecular consequence: missense variant.
Genome position (GRCh38, 1-based): chr5:80,675,066, A>G. VCF-style: chr5-80675066-A-G. GRCh37 (hg19) VCF-style: chr5-79970885-A-G.
Other names: short protein forms I371V.
Identifiers: ClinVar variation 660835 (VCV000660835.13), dbSNP rs1580553765, ClinGen allele CA360268126.

ClinVar aggregate classification (germline): Uncertain significance. Review status: criteria provided, multiple submitters, no conflicts (2 of 4 stars). 3 submissions from 3 submitters: Uncertain significance (3). Last evaluated 2025-02-12.

Conditions:
Hereditary cancer-predisposing syndrome. Also called: Neoplastic Syndromes, Hereditary; Tumor predisposition; Hereditary neoplastic syndrome; Hereditary Cancer Syndrome. Identifiers: Orphanet 140162, MedGen C0027672, MeSH D009386, MONDO:0015356.

Submissions (3):

Quest Diagnostics Nichols Institute San Juan Capistrano
Classification: Uncertain significance. Last evaluated: 2025-02-12. Review status: criteria provided, single submitter. Criteria: Quest Diagnostics criteria. Collection method: clinical testing. Allele origin: unknown.
Comment: The MSH3 c.1111A>G (p.Ile371Val) variant has not been reported in individuals with MSH3-related conditions in the published literature. It also has not been reported in large, multi-ethnic general populations (Genome Aggregation Database). Analysis of this variant using bioinformatics tools for the prediction of the effect of amino acid changes on protein structure and function yielded predictions that this variant is benign. Based on the available information, we are unable to determine the clinical significance of this variant.

Labcorp Genetics (formerly Invitae), Labcorp
Classification: Uncertain significance. Last evaluated: 2025-01-23. Review status: criteria provided, single submitter. Criteria: Invitae Variant Classification Sherloc (09022015). Collection method: clinical testing. Allele origin: germline.
Comment: This sequence change replaces isoleucine, which is neutral and non-polar, with valine, which is neutral and non-polar, at codon 371 of the MSH3 protein (p.Ile371Val). This variant is not present in population databases (gnomAD no frequency). This variant has not been reported in the literature in individuals affected with MSH3-related conditions. ClinVar contains an entry for this variant (Variation ID: 660835). An algorithm developed to predict the effect of missense changes on protein structure and function outputs the following: PolyPhen-2: "Benign". The valine amino acid residue is found in multiple mammalian species, which suggests that this missense change does not adversely affect protein function. In summary, the available evidence is currently insufficient to determine the role of this variant in disease. Therefore, it has been classified as a Variant of Uncertain Significance.

Ambry Genetics
Classification: Uncertain significance for Hereditary cancer-predisposing syndrome. Last evaluated: 2024-04-19. Review status: criteria provided, single submitter. Criteria: Ambry Variant Classification Scheme 2023. Collection method: clinical testing. Allele origin: germline.
Comment: The p.I371V variant (also known as c.1111A>G), located in coding exon 7 of the MSH3 gene, results from an A to G substitution at nucleotide position 1111. The isoleucine at codon 371 is replaced by valine, an amino acid with highly similar properties. This amino acid position is highly conserved in available vertebrate species. In addition, this alteration is predicted to be tolerated by in silico analysis. Since supporting evidence is limited at this time, the clinical significance of this alteration remains unclear.